The following is an entry in ClinVar:

ClinVar aggregate classification (germline): Conflicting classifications of pathogenicity. Review status: criteria provided, conflicting classifications (1 of 4 stars). 10 submissions from 10 submitters: Pathogenic (1); Likely pathogenic (1); Uncertain significance (5). 3 of the submissions do not count toward it. Last evaluated 2025-12-03.

Conditions:
Facial dysmorphism-immunodeficiency-livedo-short stature syndrome. Also called: Facial dysmorphism, immunodeficiency, livedo, and short stature; FILS syndrome. Identifiers: Orphanet 352712, MedGen C3554576, MONDO:0014058, OMIM 615139.
Colorectal cancer, susceptibility to, 12 (CRCS12). Also called: COLORECTAL CANCER, SUSCEPTIBILITY TO, ON CHROMOSOME 12q24. Identifiers: Orphanet 220460, MedGen C3554460, MONDO:0014038, OMIM 615083.
Intrauterine growth retardation, metaphyseal dysplasia, adrenal hypoplasia congenita, genital anomalies, and immunodeficiency. Also called: IMAGEI SYNDROME. Identifiers: MedGen C5193036, MONDO:0032684, OMIM 618336.
POLE-related disorder. Also called: POLE-related condition; POLE-related disorders.
Hereditary cancer-predisposing syndrome. Also called: Hereditary neoplastic syndrome; Neoplastic Syndromes, Hereditary; Hereditary Cancer Syndrome; Tumor predisposition. Identifiers: Orphanet 140162, MedGen C0027672, MeSH D009386, MONDO:0015356.
Malignant tumor of breast. Also called: Malignant breast neoplasm; Cancer breast. Identifiers: MedGen C0006142, MONDO:0007254. Disease mechanism: loss of function.

Allele frequency attached by ClinVar (database versions not stated): TOPMed 0.00001.

Submissions (10):

Labcorp Genetics (formerly Invitae), Labcorp
Classification: Pathogenic. Last evaluated: 2025-12-03. Review status: criteria provided, single submitter. Criteria: Invitae Variant Classification Sherloc (09022015). Collection method: clinical testing. Allele origin: germline.
Comment: This sequence change affects the initiator codon of the POLE mRNA. This change may impact translation initiation or efficiency. The next in-frame methionine is located at codon 44. The frequency data for this variant in the population databases is considered unreliable, as metrics indicate poor data quality at this position in the gnomAD database. Disruption of the initiator codon has been observed in individual(s) with clinical features of autosomal recessive FILS syndrome (PMID: 30503519). In at least one individual the data is consistent with being in trans (on the opposite chromosome) from a pathogenic variant. It has also been observed to segregate with disease in related individuals. ClinVar contains an entry for this variant (Variation ID: 405608). For these reasons, this variant has been classified as Pathogenic.

Ambry Genetics
Classification: Uncertain significance for Hereditary cancer-predisposing syndrome. Last evaluated: 2024-12-02. Review status: criteria provided, single submitter. Criteria: Ambry Variant Classification Scheme 2023. Collection method: clinical testing. Allele origin: germline.
Comment: The p.M1? variant (also known as c.1A>G), located in coding exon 1 of the POLE gene, results from an A to G substitution at nucleotide position 1. This alters the methionine residue at the initiation codon. Sequence variations that modify the initiation codon are expected to result in either loss of translation initiation, N-terminal truncation, or cause a shift in the mRNA reading frame. However, loss of function of POLE has not been clearly established as a mechanism of disease for colorectal cancer (CRC)/polyposis risk. Another variant at this codon (c.1A>T) has been reported in the compound heterozygous state with a pathogenic POLE mutation in individuals with intrauterine growth restriction, metaphyseal dysplasia, adrenal hypoplasia congenita, and genital anomalies (IMAGe) syndrome (Logan CV et al. Am J Hum Genet, 2018 12;103:1038-1044). However, there is an in-frame methionine 43 amino acids downstream from the initiation site, which may result in N-terminal truncation of unknown functional significance. Based on the available evidence, the clinical significance of this variant remains unclear.

GeneDx
Classification: Likely pathogenic. Last evaluated: 2023-03-06. Review status: criteria provided, single submitter. Criteria: GeneDx Variant Classification Process June 2021. Collection method: clinical testing. Allele origin: germline. Affected: yes.
Comment: Initiation codon variant in a gene for which loss of function is a known mechanism of disease; Not observed at significant frequency in large population cohorts (gnomAD); Has not been previously published as pathogenic or benign to our knowledge

Fulgent Genetics
Classification: Uncertain significance for Colorectal cancer, susceptibility to, 12; Facial dysmorphism-immunodeficiency-livedo-short stature syndrome; Intrauterine growth retardation, metaphyseal dysplasia, adrenal hypoplasia congenita, genital anomalies, and immunodeficiency. Last evaluated: 2022-01-12. Review status: criteria provided, single submitter. Criteria: ACMG Guidelines, 2015. Collection method: clinical testing. Allele origin: unknown.

Institute for Clinical Genetics, University Hospital TU Dresden, University Hospital TU Dresden
Classification: Uncertain significance. Last evaluated: 2021-11-03. Review status: criteria provided, single submitter. Criteria: ACMG Guidelines, 2015. Collection method: clinical testing. Allele origin: germline.

Sema4
Classification: Uncertain significance for Hereditary cancer-predisposing syndrome. Last evaluated: 2021-05-11. Review status: criteria provided, single submitter. Criteria: Sema4 Curation Guidelines. Collection method: curation. Allele origin: germline.
Comment: The POLE c.1A>G (p.M1?) variant has been reported in 2 individuals in a cohort of individuals at high risk for breast and ovarian cancer (PMID: 27153395). This variant is predicted to destroy the initiation codon leading to an abnormal or absent protein. Loss of function of POLE has not been established as a mechanism of disease (PMID: 23263490). This variant was observed in 1/8752 chromosomes in the Finnish European subpopulation large and broad cohorts of the Genome Aggregation Database (PMID: 32461654). The variant has been reported in Clinvar (Variation ID: 405608). The overall evidence is insufficient to meet ACMG/AMP criteria for classifying it as benign or pathogenic. Thus, the clinical significance of this variant is currently uncertain.

Blueprint Genetics
Classification: Uncertain significance. Last evaluated: 2020-08-31. Review status: criteria provided, single submitter. Criteria: ACMG Guidelines, 2015. Collection method: clinical testing. Allele origin: germline.

PreventionGenetics, part of Exact Sciences
Classification: Uncertain significance for POLE-related condition. Last evaluated: 2024-01-04. Review status: no assertion criteria provided. Collection method: clinical testing. Allele origin: germline. Not counted in ClinVar's aggregate classification.
Comment: The POLE c.1A>G variant is predicted to disrupt the translation initiation site (Start Loss). This variant disrupts the initiating methionine of POLE. To our knowledge, this variant has not been reported in the literature. This variant is reported in 0.011% of alleles in individuals of European (Finnish) descent in gnomAD and has conflicting interpretations in ClinVar ranging from uncertain to pathogenic. Of note, another variant disrupting the initiating methionine of POLE (c.1A>T) has been reported in the compound heterozygous state in patients with IMAGE-1 syndrome (Nakano et al. 2022. PubMed ID: 35534205). The next downstream methionine is found at amino acid 44. To date, there have been no functional studies to determine if p.Met44 is utilized as an alternative initiation site and how it would impact protein structure or function. Although we suspect that this variant may be pathogenic, at this time, the clinical significance of this variant is uncertain due to the absence of conclusive functional and genetic evidence.

Counsyl
Classification: Uncertain significance for Colorectal cancer, susceptibility to, 12. Last evaluated: 2017-08-30. Review status: no assertion criteria provided. Collection method: clinical testing. Allele origin: unknown. Not counted in ClinVar's aggregate classification.

Department of Pathology and Laboratory Medicine, Sinai Health System
Classification: Uncertain significance for Malignant tumor of breast. Review status: no assertion criteria provided. Collection method: clinical testing. Allele origin: unknown. Affected: yes. Study: The Canadian Open Genetics Repository (COGR). Not counted in ClinVar's aggregate classification.
Comment: The POLE p.Met1Val variant was not identified in the literature. The variant was identified in dbSNP (rs878854847) as â€šÃ„Ãºwith uncertain significance alleleâ€šÃ„Ã¹ and ClinVar (classified as uncertain significance by Invitae, GeneDx, Ambry Genetics and Counsyl). The variant was identified in control databases in 1 of 104,900 chromosomes at a frequency of 0.00001 (Genome Aggregation Database Feb 27, 2017). The variant was observed in the following populations: Finnish in 1 of 8614 chromosomes (freq: 0.0001), but was not observed in the African, Other, Latino, European, Ashkenazi Jewish, East Asian and South Asian populations. The c.1A>G variant occurs in the first base of the translation initiation site (the methionine amino acid start site), increasing the likelihood this variant may disrupt translation and lead to an abnormal protein product. The next in-frame methionine is located at codon 44, and it is not known whether the protein is translated from an alternate start site. In summary, based on the above information the clinical significance of this variant cannot be determined with certainty at this time. This variant is classified as a variant of uncertain significance.

Literature cited by the submitters: PubMed 30503519 (cited by Labcorp Genetics (formerly Invitae), Labcorp); PubMed 27153395 (cited by Sema4 and Counsyl); PubMed 23263490 (cited by Sema4).

NM_006231.4(POLE):c.1A>G (p.Met1Val)

Genes: POLE (DNA polymerase epsilon, catalytic subunit; minus strand), LOC130009266 (ATAC-STARR-seq lymphoblastoid silent region 5123; plus strand). Cytogenetic location: 12q24.33.
Variant type: single nucleotide variant.
Coding change: c.1A>G on transcript NM_006231.4 (MANE Select); coding-DNA position 1, A replaced by G.
Protein change: p.Met1Val; changes the start codon (methionine 1).
Molecular consequence: missense variant, initiator codon variant.
Genome position (GRCh38, 1-based): chr12:132,687,315, T>C on the plus strand (A>G on the coding strand, the complement: POLE is on the minus strand). VCF-style: chr12-132687315-T-C. GRCh37 (hg19) VCF-style: chr12-133263901-T-C.
Other names: short protein forms M1V.
Identifiers: ClinVar variation 405608 (VCV000405608.28), dbSNP rs878854847, ClinGen allele CA16613761.